The following is an entry in ClinVar:

NM_000214.3(JAG1):c.1850_1851del (p.Asp616_Cys617insTer)

Gene: JAG1 (jagged canonical Notch ligand 1; minus strand). Cytogenetic location: 20p12.2.
Variant type: Deletion.
Coding change: c.1850_1851del on transcript NM_000214.3 (MANE Select); coding-DNA positions 1850 to 1851, 2 bases deleted (GT; older notation c.1850_1851delGT).
Protein change: p.Asp616_Cys617insTer.
Molecular consequence: nonsense.
Genome position (GRCh38, 1-based): chr20:10,646,973-10,646,974, AC deleted on the plus strand (GT on the coding strand, the reverse complement: JAG1 is on the minus strand); deleting any 2 consecutive bases within chr20:10,646,973-10,646,975 gives the same sequence; the c. name uses the placement nearest the transcript's 3' end. VCF-style (leftmost placement, unchanged base first): chr20-10646972-TAC-T. GRCh37 (hg19) VCF-style: chr20-10627620-TAC-T.
Identifiers: ClinVar variation 4994263 (VCV004994263.1).
Genomic context (GRCh38, chr20:10,646,972, plus strand): 5'-GTCCATTCCCGGATGAGGGAGTCTTACTTTCATGGCAGTATGTTCCCGTGAAGCCTTTGT[TAC>T]AGTCACAGGTGAATTTGCCTCCCGACTGACTCTTGCACTTCCCGTGAGGACCACAGACGT-3'

ClinVar aggregate classification (germline): Likely pathogenic (1 of 4 stars; one submission).

Conditions:
JAG1-related disorder. Also called: JAG1-related disorders; JAG1-related condition.

Submission:

PreventionGenetics, part of Exact Sciences
Classification: Likely pathogenic for JAG1-related condition. Last evaluated: 2026-07-20. Review status: criteria provided, single submitter. Criteria: ACMG Guidelines, 2015. Collection method: clinical testing. Allele origin: germline.
Comment: The JAG1 c.1850_1851delGT variant is predicted to result in premature protein termination (p.Cys617*). To our knowledge, this variant has not been reported in the literature or in a large population database (gnomAD), indicating this variant is rare. Nonsense variants in JAG1 are expected to be pathogenic. This variant is interpreted as likely pathogenic.